The following is an entry in ClinVar:

ClinVar aggregate classification (germline): Likely pathogenic (1 of 4 stars; one submission).

Conditions:
Inborn genetic diseases. Identifiers: MedGen C0950123, MeSH D030342.

Submission:

Ambry Genetics
Classification: Likely pathogenic for Inborn genetic diseases. Last evaluated: 2025-05-22. Review status: criteria provided, single submitter. Criteria: Ambry Variant Classification Scheme 2023. Collection method: clinical testing. Allele origin: germline.
Comment: The c.1460A>G (p.Y487C) alteration is located in exon 1 (coding exon 1) of the KCNA3 gene. This alteration results from an A to G substitution at nucleotide position 1460, causing the tyrosine (Y) at amino acid position 487 to be replaced by a cysteine (C). This variant was not reported in population-based cohorts in the Genome Aggregation Database (gnomAD). This amino acid position is highly conserved in available vertebrate species. This missense alteration is located in a region that has a low rate of benign missense variation (Lek, 2016; Firth, 2009). This alteration is predicted to be deleterious by in silico analysis. Based on the available evidence, this alteration is classified as likely pathogenic.

NM_002232.5(KCNA3):c.1460A>G (p.Tyr487Cys)

Gene: KCNA3 (potassium voltage-gated channel subfamily A member 3; minus strand). Cytogenetic location: 1p13.3.
Variant type: single nucleotide variant.
Coding change: c.1460A>G on transcript NM_002232.5 (MANE Select); coding-DNA position 1460, A replaced by G.
Protein change: p.Tyr487Cys; replaces tyrosine 487 with cysteine.
Molecular consequence: missense variant. On other transcripts: non-coding transcript variant (1).
Genome position (GRCh38, 1-based): chr1:110,673,350, T>C on the plus strand (A>G on the coding strand, the complement: KCNA3 is on the minus strand). VCF-style: chr1-110673350-T-C. GRCh37 (hg19) VCF-style: chr1-111215972-T-C.
Other names: short protein forms Y487C.
Identifiers: ClinVar variation 3532071 (VCV003532071.2).